The following is an entry in ClinVar:

NM_000393.5(COL5A2):c.1976C>T (p.Pro659Leu)

Gene: COL5A2 (collagen type V alpha 2 chain; minus strand). Cytogenetic location: 2q32.2.
Variant type: single nucleotide variant.
Coding change: c.1976C>T on transcript NM_000393.5 (MANE Select); coding-DNA position 1976, C replaced by T.
Protein change: p.Pro659Leu; replaces proline 659 with leucine.
Molecular consequence: missense variant.
Genome position (GRCh38, 1-based): chr2:189,062,866, G>A on the plus strand (C>T on the coding strand, the complement: COL5A2 is on the minus strand). VCF-style: chr2-189062866-G-A. GRCh37 (hg19) VCF-style: chr2-189927592-G-A.
Other names: p.P659L:CCG>CTG; c.1976C>T (NM_000393.4); short protein forms P659L.
Identifiers: ClinVar variation 155777 (VCV000155777.43), dbSNP rs145404046, ClinGen allele CA320602.

ClinVar aggregate classification (germline): Conflicting classifications of pathogenicity. Review status: criteria provided, conflicting classifications (1 of 4 stars). 12 submissions from 12 submitters: Uncertain significance (4); Likely benign (7). 1 of the submissions does not count toward it. Last evaluated 2026-01-23.

Conditions:
COL5A2-related disorder. Also called: COL5A2-related condition.
Connective tissue disorder. Also called: Connective tissue disease. Identifiers: MedGen C0009782, MONDO:0003900.
Ehlers-Danlos syndrome, classic type, 1 (EDSCL1). Also called: Ehlers-Danlos syndrome, type 1; Ehlers-Danlos Syndrome, Classic Type, COL5A1-Related; EDS I; EHLERS-DANLOS SYNDROME, GRAVIS TYPE; EHLERS-DANLOS SYNDROME, SEVERE CLASSIC TYPE. Identifiers: MedGen C0268335, MONDO:0019567, OMIM 130000.
Ehlers-Danlos syndrome, classic type, 2 (EDSCL2). Also called: Ehlers-Danlos syndrome, type 2; Ehlers-Danlos syndrome type 2 (formerly); Ehlers-Danlos Syndrome, Classic Type, COL5A2-Related. Identifiers: Orphanet 287, Orphanet 90318, MedGen C0268336, MONDO:0019568, OMIM 130010.
Ehlers-Danlos syndrome (EDS). Identifiers: Orphanet 98249, MedGen C0013720, MONDO:0020066.
Familial thoracic aortic aneurysm and aortic dissection (TAAD). Also called: Thoracic aortic aneurysms and dissections. Identifiers: Orphanet 91387, MedGen C4707243, MONDO:0019625.

Allele frequency attached by ClinVar (database versions not stated): 1000 Genomes Project 30x 0.00016; TOPMed 0.00019; 1000 Genomes Project 0.00020; gnomAD exomes 0.00030 and 0.00050; ESP Exome Variant Server 0.00031; gnomAD 0.00036 and 0.00037; ExAC 0.00048.

Submissions (12):

Labcorp Genetics (formerly Invitae), Labcorp
Classification: Likely benign for Ehlers-Danlos syndrome, classic type, 1. Last evaluated: 2026-01-23. Review status: criteria provided, single submitter. Criteria: Invitae Variant Classification Sherloc (09022015). Collection method: clinical testing. Allele origin: germline.

CeGaT Center for Human Genetics Tuebingen
Classification: Likely benign. Last evaluated: 2025-11-01. Review status: criteria provided, single submitter. Criteria: CeGaT Center For Human Genetics Tuebingen Variant Classification Criteria Version 2. Collection method: clinical testing. Allele origin: germline. Affected: yes. Observed: 2 variant alleles.
Comment: COL5A2: PP2, BS1

GeneDx
Classification: Uncertain significance. Last evaluated: 2025-07-25. Review status: criteria provided, single submitter. Criteria: GeneDx Variant Classification Process June 2021. Collection method: clinical testing. Allele origin: germline. Affected: yes.
Comment: In silico analysis supports that this missense variant has a deleterious effect on protein structure/function; This variant is associated with the following publications: (PMID: 32161841, 33161638, 22696272)

Laboratory of Genetics, Children's Clinical University Hospital Latvia
Classification: Likely benign. Last evaluated: 2025-02-16. Review status: criteria provided, single submitter. Criteria: ACMG Guidelines, 2015. Collection method: clinical testing. Allele origin: germline. Affected: yes.

ARUP Laboratories, Molecular Genetics and Genomics, ARUP Laboratories
Classification: Likely benign for Ehlers-Danlos syndrome, classic type, 2. Last evaluated: 2024-11-22. Review status: criteria provided, single submitter. Criteria: ARUP Molecular Germline Variant Investigation Process 2024. Collection method: clinical testing. Allele origin: germline.

Blueprint Genetics
Classification: Likely benign. Last evaluated: 2024-11-14. Review status: criteria provided, single submitter. Criteria: ACMG Guidelines, 2015. Collection method: clinical testing. Allele origin: germline.

Women's Health and Genetics/Laboratory Corporation of America, LabCorp
Classification: Likely benign. Last evaluated: 2024-08-05. Review status: criteria provided, single submitter. Criteria: LabCorp Variant Classification Summary - May 2015. Collection method: clinical testing. Allele origin: germline.
Comment: Variant summary: COL5A2 c.1976C>T (p.Pro659Leu) results in a non-conservative amino acid change in the encoded protein sequence. Four of five in-silico tools predict a damaging effect of the variant on protein function. The variant allele was found at a frequency of 0.0005 in 250984 control chromosomes. The observed variant frequency is approximately 79.69 fold of the estimated maximal expected allele frequency for a pathogenic variant in COL5A2 causing Ehlers-Danlos Syndrome phenotype (6.3e-06). To our knowledge, no occurrence of c.1976C>T in individuals affected with Ehlers-Danlos Syndrome and no experimental evidence demonstrating its impact on protein function have been reported. ClinVar contains an entry for this variant (Variation ID: 155777). Based on the evidence outlined above, the variant was classified as likely benign.

Genome Diagnostics Laboratory, The Hospital for Sick Children
Classification: Uncertain significance for Ehlers-Danlos syndrome. Last evaluated: 2021-11-02. Review status: criteria provided, single submitter. Criteria: ACMG Guidelines, 2015. Collection method: clinical testing. Allele origin: germline.

Revvity Omics, Revvity
Classification: Uncertain significance for Ehlers-Danlos syndrome, classic type, 2. Last evaluated: 2019-05-03. Review status: criteria provided, single submitter. Criteria: ACMG Guidelines, 2015. Collection method: clinical testing. Allele origin: germline.

Ambry Genetics
Classification: Likely benign for Familial thoracic aortic aneurysm and aortic dissection. Last evaluated: 2019-01-14. Review status: criteria provided, single submitter. Criteria: Ambry Variant Classification Scheme 2023. Collection method: clinical testing. Allele origin: germline.

Center for Human Genetics, Inc
Classification: Uncertain significance for Connective tissue disorder. Last evaluated: 2016-11-01. Review status: criteria provided, single submitter. Criteria: ACMG Guidelines, 2015. Collection method: clinical testing. Allele origin: germline. Affected: yes.

PreventionGenetics, part of Exact Sciences
Classification: Likely benign for COL5A2-related condition. Last evaluated: 2020-07-18. Review status: no assertion criteria provided. Collection method: clinical testing. Allele origin: germline. Not counted in ClinVar's aggregate classification.
Comment: This variant is classified as likely benign based on ACMG/AMP sequence variant interpretation guidelines (Richards et al. 2015 PMID: 25741868, with internal and published modifications).